The following is an entry in ClinVar:

ClinVar aggregate classification (germline): Uncertain significance (1 of 4 stars; one submission).

Submission:

Labcorp Genetics (formerly Invitae), Labcorp
Classification: Uncertain significance. Last evaluated: 2025-08-28. Review status: criteria provided, single submitter. Criteria: Invitae Variant Classification Sherloc (09022015). Collection method: clinical testing. Allele origin: germline.
Comment: This sequence change replaces valine, which is neutral and non-polar, with leucine, which is neutral and non-polar, at codon 124 of the ATP6V1A protein (p.Val124Leu). This variant is not present in population databases (gnomAD no frequency). This variant has not been reported in the literature in individuals affected with ATP6V1A-related conditions. Invitae Evidence Modeling of protein sequence and biophysical properties (such as structural, functional, and spatial information, amino acid conservation, physicochemical variation, residue mobility, and thermodynamic stability) indicates that this missense variant is not expected to disrupt ATP6V1A protein function with a negative predictive value of 80%. In summary, the available evidence is currently insufficient to determine the role of this variant in disease. Therefore, it has been classified as a Variant of Uncertain Significance.

NM_001690.4(ATP6V1A):c.370G>T (p.Val124Leu)

Gene: ATP6V1A (ATPase H+ transporting V1 subunit A; plus strand). Cytogenetic location: 3q13.31.
Variant type: single nucleotide variant.
Coding change: c.370G>T on transcript NM_001690.4 (MANE Select); coding-DNA position 370, G replaced by T.
Protein change: p.Val124Leu; replaces valine 124 with leucine.
Molecular consequence: missense variant.
Genome position (GRCh38, 1-based): chr3:113,784,382, G>T. VCF-style: chr3-113784382-G-T. GRCh37 (hg19) VCF-style: chr3-113503229-G-T.
Other names: short protein forms V124L.
Identifiers: ClinVar variation 4746395 (VCV004746395.1).